The following is an entry in ClinVar:

NM_001389.5(DSCAM):c.3551C>G (p.Thr1184Ser)

Gene: DSCAM (DS cell adhesion molecule; minus strand). Cytogenetic location: 21q22.2.
Variant type: single nucleotide variant.
Coding change: c.3551C>G on transcript NM_001389.5 (MANE Select); coding-DNA position 3551, C replaced by G.
Protein change: p.Thr1184Ser; replaces threonine 1184 with serine.
Molecular consequence: missense variant. On other transcripts: non-coding transcript variant (1).
Genome position (GRCh38, 1-based): chr21:40,133,865, G>C on the plus strand (C>G on the coding strand, the complement: DSCAM is on the minus strand). VCF-style: chr21-40133865-G-C. GRCh37 (hg19) VCF-style: chr21-41505792-G-C.
Other names: c.3551C>G, p.Thr1184Ser (NM_001271534.3); short protein forms T1184S.
Identifiers: ClinVar variation 1493302 (VCV001493302.6), dbSNP rs961228091, ClinGen allele CA320647979.

ClinVar aggregate classification (germline): Uncertain significance (1 of 4 stars; one submission).

Allele frequency attached by ClinVar (database versions not stated): gnomAD exomes below 0.00001 and 0.00002; TOPMed below 0.00001; gnomAD 0.00001.
gnomAD v4.1: 36 of 1,607,250 alleles (0.0022%); highest among the groups gnomAD compares: Non-Finnish European, 0.0028%; no homozygotes.

Submission:

Labcorp Genetics (formerly Invitae), Labcorp
Classification: Uncertain significance. Last evaluated: 2024-06-16. Review status: criteria provided, single submitter. Criteria: Invitae Variant Classification Sherloc (09022015). Collection method: clinical testing. Allele origin: germline.
Comment: This sequence change replaces threonine, which is neutral and polar, with serine, which is neutral and polar, at codon 1184 of the DSCAM protein (p.Thr1184Ser). This variant is present in population databases (no rsID available, gnomAD 0.0009%). This variant has not been reported in the literature in individuals affected with DSCAM-related conditions. ClinVar contains an entry for this variant (Variation ID: 1493302). Advanced modeling of protein sequence and biophysical properties (such as structural, functional, and spatial information, amino acid conservation, physicochemical variation, residue mobility, and thermodynamic stability) performed at Invitae indicates that this missense variant is expected to disrupt DSCAM protein function with a positive predictive value of 80%. In summary, the available evidence is currently insufficient to determine the role of this variant in disease. Therefore, it has been classified as a Variant of Uncertain Significance.